The following is an entry in ClinVar:

NM_002661.5(PLCG2):c.127G>A (p.Val43Ile)

Gene: PLCG2 (phospholipase C gamma 2; plus strand). Cytogenetic location: 16q23.3.
Variant type: single nucleotide variant.
Coding change: c.127G>A on transcript NM_002661.5 (MANE Select); coding-DNA position 127, G replaced by A.
Protein change: p.Val43Ile; replaces valine 43 with isoleucine.
Molecular consequence: missense variant.
Genome position (GRCh38, 1-based): chr16:81,786,116, G>A. VCF-style: chr16-81786116-G-A. GRCh37 (hg19) VCF-style: chr16-81819721-G-A.
Other names: c.127G>A (NM_002661.3); short protein forms V43I.
Identifiers: ClinVar variation 952770 (VCV000952770.10), dbSNP rs370352962, ClinGen allele CA8193036.

ClinVar aggregate classification (germline): Uncertain significance. Review status: criteria provided, multiple submitters, no conflicts (2 of 4 stars). 3 submissions from 3 submitters: Uncertain significance (3). Last evaluated 2025-09-13.

Conditions:
Inborn genetic diseases. Identifiers: MedGen C0950123, MeSH D030342.
Autoinflammation-PLCG2-associated antibody deficiency-immune dysregulation. Also called: Autoinflammation, antibody deficiency, and immune dysregulation syndrome; AUTOINFLAMMATION, ANTIBODY DEFICIENCY, AND IMMUNE DYSREGULATION; Autoinflammation, antibody deficiency, and immune dysregulation, plcg2-associated. Identifiers: Orphanet 324530, MedGen C3553961, MONDO:0013944, OMIM 614878.
Familial cold autoinflammatory syndrome 3 (FCAS3). Also called: FAMILIAL ATYPICAL COLD URTICARIA; ANTIBODY DEFICIENCY AND IMMUNE DYSREGULATION, PLCG2-ASSOCIATED. Identifiers: Orphanet 300359, MedGen C3280914, MONDO:0013766, OMIM 614468.

Allele frequency attached by ClinVar (database versions not stated): gnomAD exomes 0.00001 and 0.00002; ExAC 0.00002; gnomAD 0.00002 and 0.00003; TOPMed 0.00002; ESP Exome Variant Server 0.00008; 1000 Genomes Project 30x 0.00016; 1000 Genomes Project 0.00020.

Submissions (3):

Labcorp Genetics (formerly Invitae), Labcorp
Classification: Uncertain significance for Familial cold autoinflammatory syndrome 3. Last evaluated: 2025-09-13. Review status: criteria provided, single submitter. Criteria: Invitae Variant Classification Sherloc (09022015). Collection method: clinical testing. Allele origin: germline.
Comment: This sequence change replaces valine, which is neutral and non-polar, with isoleucine, which is neutral and non-polar, at codon 43 of the PLCG2 protein (p.Val43Ile). This variant is present in population databases (rs370352962, gnomAD 0.01%). This variant has not been reported in the literature in individuals affected with PLCG2-related conditions. ClinVar contains an entry for this variant (Variation ID: 952770). An algorithm developed to predict the effect of missense changes on protein structure and function (PolyPhen-2) suggests that this variant is likely to be tolerated. In summary, the available evidence is currently insufficient to determine the role of this variant in disease. Therefore, it has been classified as a Variant of Uncertain Significance.

Ambry Genetics
Classification: Uncertain significance for Inborn genetic diseases. Last evaluated: 2025-08-12. Review status: criteria provided, single submitter. Criteria: Ambry Variant Classification Scheme 2023. Collection method: clinical testing. Allele origin: germline.

Fulgent Genetics
Classification: Uncertain significance for Familial cold autoinflammatory syndrome 3; Autoinflammation-PLCG2-associated antibody deficiency-immune dysregulation. Last evaluated: 2021-12-28. Review status: criteria provided, single submitter. Criteria: ACMG Guidelines, 2015. Collection method: clinical testing. Allele origin: unknown.